The following is an entry in ClinVar:

NM_001009944.3(PKD1):c.1328C>T (p.Ala443Val)

Gene: PKD1 (polycystin 1, transient receptor potential channel interacting; minus strand). Cytogenetic location: 16p13.3.
Variant type: single nucleotide variant.
Coding change: c.1328C>T on transcript NM_001009944.3 (MANE Select); coding-DNA position 1328, C replaced by T.
Protein change: p.Ala443Val; replaces alanine 443 with valine.
Molecular consequence: missense variant.
Genome position (GRCh38, 1-based): chr16:2,117,546, G>A on the plus strand (C>T on the coding strand, the complement: PKD1 is on the minus strand). VCF-style: chr16-2117546-G-A. GRCh37 (hg19) VCF-style: chr16-2167547-G-A.
Other names: c.1328C>T, p.Ala443Val (NM_000296.4); c.1328C>T (NM_000296.3); short protein forms A443V.
Identifiers: ClinVar variation 2443209 (VCV002443209.5), dbSNP rs535399366, ClinGen allele CA7833541.

ClinVar aggregate classification (germline): Conflicting classifications of pathogenicity. Review status: criteria provided, conflicting classifications (1 of 4 stars). 4 submissions from 4 submitters: Uncertain significance (1); Likely benign (2). 1 of the submissions does not count toward it. Last evaluated 2025-12-04.

Conditions:
Polycystic kidney disease, adult type (PKD1). Also called: Polycystic Kidney Disease 1, Autosomal Dominant; Polycystic kidney disease 1; Polycystic kidney disease 1, severe; Polycystic Kidney, Autosomal Dominant; POLYCYSTIC KIDNEY DISEASE, ADULT, TYPE I; POLYCYSTIC KIDNEY DISEASE 1 WITH OR WITHOUT POLYCYSTIC LIVER DISEASE. Identifiers: MedGen C3149841, MONDO:0008263, OMIM 173900.
Inborn genetic diseases. Identifiers: MedGen C0950123, MeSH D030342.
PKD1-related disorder. Also called: PKD1-related condition.

Allele frequency attached by ClinVar (database versions not stated): gnomAD exomes 0.00003; ExAC 0.00040; TOPMed 0.00044; 1000 Genomes Project 0.00140; 1000 Genomes Project 30x 0.00141.
gnomAD v4.1: 111 of 1,599,502 alleles (0.0069%); highest among the groups gnomAD compares: African/African-American, 0.13%; no homozygotes.

Submissions (4):

Ambry Genetics
Classification: Likely benign for Inborn genetic diseases. Last evaluated: 2025-12-04. Review status: criteria provided, single submitter. Criteria: Ambry Variant Classification Scheme 2023. Collection method: clinical testing. Allele origin: germline.

PreventionGenetics, part of Exact Sciences
Classification: Likely benign for PKD1-related condition. Last evaluated: 2025-06-18. Review status: criteria provided, single submitter. Criteria: ACMG Guidelines, 2015. Collection method: clinical testing. Allele origin: germline.
Comment: This variant is classified as likely benign based on ACMG/AMP sequence variant interpretation guidelines (Richards et al. 2015 PMID: 25741868, with internal and published modifications).

Department of Pathology and Laboratory Medicine, Sinai Health System
Classification: Uncertain significance for Polycystic kidney disease, adult type. Last evaluated: 2024-12-17. Review status: criteria provided, single submitter. Criteria: ACMG Guidelines, 2015. Collection method: clinical testing. Allele origin: germline.

Genetic Services Laboratory, University of Chicago
Classification: Likely benign. Last evaluated: 2022-06-13. Review status: no assertion criteria provided. Collection method: clinical testing. Allele origin: germline. Affected: no. Not counted in ClinVar's aggregate classification.